The following is an entry in ClinVar:

NM_000132.4(F8):c.1034T>C (p.Val345Ala)

Gene: F8 (coagulation factor VIII; minus strand). Cytogenetic location: Xq28.
Variant type: single nucleotide variant.
Coding change: c.1034T>C on transcript NM_000132.4 (MANE Select); coding-DNA position 1034, T replaced by C.
Protein change: p.Val345Ala; replaces valine 345 with alanine.
Molecular consequence: missense variant.
Genome position (GRCh38, 1-based): chrX:154,966,663, A>G on the plus strand (T>C on the coding strand, the complement: F8 is on the minus strand). VCF-style: chrX-154966663-A-G. GRCh37 (hg19) VCF-style: chrX-154194938-A-G.
Other names: short protein forms V345A.
Identifiers: ClinVar variation 627195 (VCV000627195.4), dbSNP rs1189348665, ClinGen allele CA414917257.
Genomic context (GRCh38, chrX:154,966,663, plus strand): 5'-TAGTCTTCCGCTTCTTCATTATTTTTCATTCGTAGTTGGGGTTCCTCTGGACAGCTGTCT[A>G]CTTTGACATAAGCTTCCATGCCATCTGGAGTCAGACAAACCAAACAATGTCAGAGTGTCT-3'
Protein context (NP_000123.1, residues 335-355): QHDGMEAYVK[Val345Ala]DSCPEEPQLR

ClinVar aggregate classification (germline): Conflicting classifications of pathogenicity. Review status: criteria provided, conflicting classifications (1 of 4 stars). 3 submissions from 3 submitters: Likely pathogenic (2); Uncertain significance (1). Last evaluated 2025-03-26.

Conditions:
Hereditary factor IX deficiency disease (HEMB). Also called: F9 DEFICIENCY; FACTOR IX DEFICIENCY; PLASMA THROMBOPLASTIN COMPONENT DEFICIENCY; Hemophilia B; Christmas Disease. Identifiers: Orphanet 98879, MedGen C0008533, MeSH D002836, MONDO:0010604, OMIM 306900.

Allele frequency attached by ClinVar (database versions not stated): TOPMed 0.00006.

Submissions (3):

ARUP Laboratories, Molecular Genetics and Genomics, ARUP Laboratories
Classification: Likely pathogenic. Last evaluated: 2025-03-26. Review status: criteria provided, single submitter. Criteria: ARUP Molecular Germline Variant Investigation Process 2024. Collection method: clinical testing. Allele origin: germline.
Comment: The F8 c.1034T>C; p.Val345Ala variant (rs1189348665, ClinVar Variation ID: 627195) is reported in the literature in affected individuals with FVIII levels consistent with mild to moderate hemophilia A (see F8 database and references therein, Johnsen 2017, Citron 2002). This variant is also absent from the Genome Aggregation Database (v2.1.1), indicating it is not a common polymorphism. Additionally, other variants at this codon (c.1033G>C, p. Val345Leu; c.1033G>T, p.Val345Leu) have been reported in individuals with hemophilia A and are considered to be disease causing (see F8 database and references therein). Computational analyses predict that this variant is deleterious (REVEL: 0.939). Based on available information, this variant is considered to be likely pathogenic. References: Link to F8 Database: Citron M et al. High throughput mutation screening of the factor VIII gene (F8C) in hemophilia A: 37 novel mutations and genotype-phenotype correlation. Hum Mutat. 2002 Oct;20(4):267-74. PMID: 12325022. Johnsen JM et al. Novel approach to genetic analysis and results in 3000 hemophilia patients enrolled in the My Life, Our Future initiative. Blood Adv. 2017 May 18;1(13):824-834. PMID: 29296726.

Women's Health and Genetics/Laboratory Corporation of America, LabCorp
Classification: Uncertain significance. Last evaluated: 2024-11-08. Review status: criteria provided, single submitter. Criteria: LabCorp Variant Classification Summary - May 2015. Collection method: clinical testing. Allele origin: germline.
Comment: Variant summary: F8 c.1034T>C (p.Val345Ala; also described as V326A in the literature) results in a non-conservative amino acid change located in the Cupredoxin domain (IPR008972) of the encoded protein sequence. Five of five in-silico tools predict a damaging effect of the variant on protein function. The variant was absent in 182888 control chromosomes. c.1034T>C has been reported in the literature in individuals affected with Factor VIII Deficiency (Hemophilia A) (examples: Citron_2002, Downes_2019, Miller_2012). These data indicate that the variant may be associated with disease. To our knowledge, no experimental evidence demonstrating an impact on protein function has been reported. The following publications have been ascertained in the context of this evaluation (PMID: 12325022, 31064749, 22103590). ClinVar contains an entry for this variant (Variation ID: 627195). Based on the evidence outlined above, the variant was classified as VUS-possibly pathogenic.

NIHR Bioresource Rare Diseases, University of Cambridge
Classification: Likely pathogenic for Hereditary factor IX deficiency disease. Last evaluated: 2019-02-01. Review status: criteria provided, single submitter. Criteria: ACMG Guidelines, 2015. Collection method: research. Allele origin: unknown. Affected: yes. Observed: 1 hemizygote. Study: ThromboGenomics.

Literature cited by the submitters: PubMed 31064749 (cited by Women's Health and Genetics/Laboratory Corporation of America, LabCorp and NIHR Bioresource Rare Diseases, University of Cambridge); PubMed 22103590 (cited by Women's Health and Genetics/Laboratory Corporation of America, LabCorp); PubMed 12325022 (cited by Women's Health and Genetics/Laboratory Corporation of America, LabCorp).